The following is an entry in ClinVar:

NM_000435.3(NOTCH3):c.521G>A (p.Cys174Tyr)

Gene: NOTCH3 (notch receptor 3; minus strand). Cytogenetic location: 19p13.12.
Variant type: single nucleotide variant.
Coding change: c.521G>A on transcript NM_000435.3 (MANE Select); coding-DNA position 521, G replaced by A.
Protein change: p.Cys174Tyr; replaces cysteine 174 with tyrosine.
Molecular consequence: missense variant.
Genome position (GRCh38, 1-based): chr19:15,192,118, C>T on the plus strand (G>A on the coding strand, the complement: NOTCH3 is on the minus strand). VCF-style: chr19-15192118-C-T. GRCh37 (hg19) VCF-style: chr19-15302929-C-T.
Other names: short protein forms C174Y.
Identifiers: ClinVar variation 447854 (VCV000447854.55), dbSNP rs1555729486, ClinGen allele CA404533739.

ClinVar aggregate classification (germline): Pathogenic. Review status: criteria provided, multiple submitters, no conflicts (2 of 4 stars). 7 submissions from 7 submitters: Pathogenic (7). Last evaluated 2026-03-01.

Conditions:
NOTCH3-related disorder. Also called: NOTCH3-related disorders; NOTCH3-related condition.
Cerebral arteriopathy, autosomal dominant, with subcortical infarcts and leukoencephalopathy, type 1 (CADASIL1). Also called: Cerebral arteriopathy with subcortical infarcts and leukoencephalopathy 1; DEMENTIA, HEREDITARY MULTIINFARCT TYPE; CADASIL 1; CASIL. Identifiers: Orphanet 136, MedGen C4551768, MONDO:0000914, OMIM 125310.

Submissions (7):

CeGaT Center for Human Genetics Tuebingen
Classification: Pathogenic. Last evaluated: 2026-03-01. Review status: criteria provided, single submitter. Criteria: CeGaT Center For Human Genetics Tuebingen Variant Classification Criteria Version 2. Collection method: clinical testing. Allele origin: germline. Affected: yes. Observed: 6 variant alleles.
Comment: NOTCH3: PM1:Strong, PS4, PM2, PM5, PP3

ARUP Laboratories, Molecular Genetics and Genomics, ARUP Laboratories
Classification: Pathogenic. Last evaluated: 2025-05-07. Review status: criteria provided, single submitter. Criteria: ARUP Molecular Germline Variant Investigation Process 2024. Collection method: clinical testing. Allele origin: germline.
Comment: The NOTCH3 c.521G>A; p.Cys174Tyr variant (rs1555729486, ClinVar Variation ID: 447854) is reported in the literature in multiple individuals and families affected with CADASIL (Dichgans 1999, Dichgans 2000, Escary 2000, Opherk 2004, Peters 2005, Formichi 2009, Testi 2012). This variant is absent from the Genome Aggregation Database (v2.1.1), indicating it is not a common polymorphism. Additionally, other variants at this codon (c.521G>T, Cys174Phe; c.520T>C, Cys174Arg) have been reported in individuals with CADASIL and are considered likely pathogenic (Santa 2003, Opherk 2003, Peters 2005). Computational analyses predict that the p.Cys174Tyr variant is deleterious (REVEL: 0.979). Most pathogenic NOTCH3 variants occur in exons 2-24 and either create or destroy a cysteine residue within an EGF-like domain (Rutten 2014), and thus the p.Cys174Tyr variant is consistent with the predominant mechanism of disease in NOTCH3. Based on available information, this variant is considered to be pathogenic. References: Dichgans et al. Quantitative MRI in CADASIL: correlation with disability and cognitive performance. Neurology. 1999 Apr 22;52(7):1361-7. PMID: 10227618. Dichgans et al. Small in-frame deletions and missense mutations in CADASIL: 3D models predict misfolding of Notch3 EGF-like repeat domains. Eur J Hum Genet. 2000 Apr;8(4):280-5. PMID: 10854111. Escary et al. Evaluation of DHPLC analysis in mutational scanning of Notch3, a gene with a high G-C content. Hum Mutat. 2000 Dec;16(6):518-26. PMID: 11102981. Formichi et al. Apoptosis in CADASIL: an in vitro study of lymphocytes and fibroblasts from a cohort of Italian patients. J Cell Physiol. 2009 May;219(2):494-502. PMID: 19180562. Opherk et al. Long-term prognosis and causes of death in CADASIL: a retrospective study in 411 patients. Brain. 2004 Nov;127(Pt 11):2533-9. PMID: 15364702. Peters et al. Spectrum of mutations in biopsy-proven CADASIL: implications for diagnostic strategies. Arch Neurol. 2005 Jul;62(7):1091-4. PMID: 16009764. Rutten JW et al. Interpretation of NOTCH3 mutations in the diagnosis of CADASIL. Expert Rev Mol Diagn. 2014 Jun;14(5):593-603. PMID: 24844136. Santa et al. Genetic, clinical and pathological studies of CADASIL in Japan: a partial contribution of Notch3 mutations and implications of smooth muscle cell degeneration for the pathogenesis. J Neurol Sci. 2003 Aug 15;212(1-2):79-84. PMID: 12810003. Testi et al. Mutational and haplotype map of NOTCH3 in a cohort of Italian patients with cerebral autosomal dominant arteriopathy with subcortical infarcts and leukoencephalopathy (CADASIL). J Neurol Sci. 2012 Aug 15;319(1-2):37-41. PMID: 22664156.

Women's Health and Genetics/Laboratory Corporation of America, LabCorp
Classification: Pathogenic for Cerebral arteriopathy, autosomal dominant, with subcortical infarcts and leukoencephalopathy, type 1. Last evaluated: 2025-04-14. Review status: criteria provided, single submitter. Criteria: LabCorp Variant Classification Summary - May 2015. Collection method: clinical testing. Allele origin: germline.
Comment: Variant summary: NOTCH3 c.521G>A (p.Cys174Tyr) results in a non-conservative amino acid change in the encoded protein sequence. Five of five in-silico tools predict a damaging effect of the variant on protein function. The variant was absent in 248824 control chromosomes (gnomAD). c.521G>A has been observed in multiple individuals affected with Cerebral arteriopathy, autosomal dominant, with subcortical infarcts and leukoencephalopathy, type 1 (e.g., Opherk_2004). These data indicate that the variant is very likely to be associated with disease. The following publication has been ascertained in the context of this evaluation (PMID: 15364702). ClinVar contains an entry for this variant (Variation ID: 447854). Based on the evidence outlined above, the variant was classified as pathogenic.

PreventionGenetics, part of Exact Sciences
Classification: Pathogenic for NOTCH3-related condition. Last evaluated: 2022-12-15. Review status: criteria provided, single submitter. Criteria: ACMG Guidelines, 2015. Collection method: clinical testing. Allele origin: germline.
Comment: The NOTCH3 c.521G>A variant is predicted to result in the amino acid substitution p.Cys174Tyr. This variant has been reported in individuals affected with CADASIL (Dichgans et al. 1999. PubMed ID: 10227618). Alternate missense changes affecting the same amino acid position have also been reported in patients with CADASIL (Human Gene Mutation Database; Testi et al. 2012. PubMed ID: 22664156; Kim et al. 2020. PubMed ID: 32555735). This variant has not been reported in a large population database, indicating this variant is rare. Most CADASIL causing variants in the NOTCH3 gene result in the gain or loss of one or more cysteine residues in the extracellular domain of the protein, as seen in this patient. This patient’s variant alters a cysteine residue and is located in the extracellular EGFr-like domain four. Pathogenic variants in EGFr domains 1-6 appear to be fully penetrant and are usually associated with the classical CADASIL phenotype. However, there is variability in disease severity. Pathogenic variants in EGFr domains 7-34 have a much higher population frequency, and can predispose to a milder small-vessel disease, possibly even displaying incomplete or at least very late onset complete penetrance (OMIM #125310; Rutten et al. 2016. PubMed ID: 27844030; Rutten et al. 2019. PubMed ID: 30032161). This variant is interpreted as pathogenic.

Labcorp Genetics (formerly Invitae), Labcorp
Classification: Pathogenic. Last evaluated: 2022-07-12. Review status: criteria provided, single submitter. Criteria: Invitae Variant Classification Sherloc (09022015). Collection method: clinical testing. Allele origin: germline.
Comment: This variant is not present in population databases (gnomAD no frequency). This missense change has been observed in individuals with CADASIL (PMID: 10227618, 15364702, 16009764, 19180562, 22664156; Invitae). ClinVar contains an entry for this variant (Variation ID: 447854). Advanced modeling of protein sequence and biophysical properties (such as structural, functional, and spatial information, amino acid conservation, physicochemical variation, residue mobility, and thermodynamic stability) performed at Invitae indicates that this missense variant is expected to disrupt NOTCH3 protein function. This variant disrupts the p.Cys174 amino acid residue in NOTCH3. Other variant(s) that disrupt this residue have been observed in individuals with NOTCH3-related conditions (PMID: 12810003), which suggests that this may be a clinically significant amino acid residue. For these reasons, this variant has been classified as Pathogenic. This sequence change replaces cysteine, which is neutral and slightly polar, with tyrosine, which is neutral and polar, at codon 174 of the NOTCH3 protein (p.Cys174Tyr).

Institute of Medical Genetics and Applied Genomics, University Hospital Tübingen
Classification: Pathogenic. Last evaluated: 2020-10-23. Review status: criteria provided, single submitter. Criteria: ACMG Guidelines, 2015. Collection method: clinical testing. Allele origin: germline. Inheritance: Autosomal dominant inheritance. Affected: yes.

Athena Diagnostics
Classification: Pathogenic. Last evaluated: 2019-06-14. Review status: criteria provided, single submitter. Criteria: Athena Diagnostics Criteria. Collection method: clinical testing. Allele origin: germline.
Comment: The variant disrupts a cysteine residue in an EGF-like repeat domain, which are important for the structure of this protein. Therefore it is expected to severely affect the function of the protein. Found in at least one symptomatic patient, and not found in general population data.

Literature cited by the submitters: PubMed 15364702 (cited by 3 submitters); PubMed 10227618 (cited by Labcorp Genetics (formerly Invitae), Labcorp and Athena Diagnostics); PubMed 16009764 (cited by Labcorp Genetics (formerly Invitae), Labcorp and Athena Diagnostics); PubMed 19180562 (cited by Labcorp Genetics (formerly Invitae), Labcorp); PubMed 22664156 (cited by Labcorp Genetics (formerly Invitae), Labcorp); PubMed 12810003 (cited by Labcorp Genetics (formerly Invitae), Labcorp); PubMed 10854111 (cited by Athena Diagnostics); PubMed 11102981 (cited by Athena Diagnostics).